The following is an entry in ClinVar:

NM_018249.6(CDK5RAP2):c.625dup (p.Asp209fs)

Gene: CDK5RAP2 (CDK5 regulatory subunit associated protein 2; minus strand). Cytogenetic location: 9q33.2.
Variant type: Duplication.
Coding change: c.625dup on transcript NM_018249.6 (MANE Select); coding-DNA position 625, one base duplicated (G; older notation c.625dupG).
Protein change: p.Asp209fs; shifts the reading frame from aspartic acid 209.
Molecular consequence: frameshift variant. On other transcripts: non-coding transcript variant (5).
Genome position (GRCh38, 1-based): chr9:120,536,409, C duplicated on the plus strand (G on the coding strand, the reverse complement: CDK5RAP2 is on the minus strand); the first of 5 consecutive C bases (chr9:120,536,409-120,536,413); duplicating any one gives the same sequence. VCF-style (leftmost placement, unchanged base first): chr9-120536408-T-TC. GRCh37 (hg19) VCF-style: chr9-123298686-T-TC.
Other names: p.D209Gfs*10; c.625dup, p.Asp209fs (NM_001410994.1, NM_001011649.3, NM_001272039.2 and 2 more transcripts); short protein forms D209fs.
Identifiers: ClinVar variation 3336694 (VCV003336694.2).

ClinVar aggregate classification (germline): Pathogenic (0 of 4 stars; one submission).

Conditions:
Microcephaly 3, primary, autosomal recessive. Identifiers: Orphanet 2512, MedGen C1858108, MONDO:0011488, OMIM 604804.

Submission:

Department of Medical Genetics, Kayseri City Hospital
Classification: Pathogenic for Microcephaly 3, primary, autosomal recessive. Last evaluated: 2024-08-01. Review status: no assertion criteria provided. Collection method: clinical testing. Allele origin: maternal. Inheritance: Autosomal recessive inheritance. Affected: yes. Observed: 1 compound heterozygote.
Comment: This mutation in coding exon 7 of the CDK5RAP2 gene results from a duplication of guanine at nucleotide position 625.This sequence change creates a premature translational stop signal (D209Gfs*10) in the CDK5RAP2 gene. It is expected to result in an absent or disrupted protein product. Loss-of-function variants in CDK5RAP2 are known to be pathogenic (PMID: 15793586, 20460369, 26436113). This variant is not present in population databases (gnomAD no frequency). This variant has not been reported in the literature in individuals affected with CDK5RAP2-related conditions. For these reasons, this variant has been classified as Pathogenic.